The following is an entry in ClinVar:

NM_001365951.3(KIF1B):c.2723C>T (p.Thr908Ile)

Genes: KIF1B (kinesin family member 1B; plus strand), LOC126805614 (BRD4-independent group 4 enhancer GRCh37_chr1:10385546-10386745; plus strand). Cytogenetic location: 1p36.22.
Variant type: single nucleotide variant.
Coding change: c.2723C>T on transcript NM_001365951.3 (MANE Select); coding-DNA position 2723, C replaced by T.
Protein change: p.Thr908Ile; replaces threonine 908 with isoleucine.
Molecular consequence: missense variant.
Genome position (GRCh38, 1-based): chr1:10,326,158, C>T. VCF-style: chr1-10326158-C-T. GRCh37 (hg19) VCF-style: chr1-10386216-C-T.
Other names: c.2723C>T, p.Thr908Ile (NM_001365952.1); c.2585C>T, p.Thr862Ile (NM_015074.3); short protein forms T908I, T862I.
Identifiers: ClinVar variation 3864091 (VCV003864091.1).
Genomic context (GRCh38, chr1:10,326,158, plus strand): 5'-ACCTGGTGTCTAGCTCCCCCATTTTCCACGGCTGTGTGAACGAGCGCCTTGCCGACCGCA[C>T]ACCCTCCCCCACTTTTTCCACGGCCGATTCCGACATCACTGAGCTGGCTGACGAGCAGCA-3'
Protein context (NP_001352880.1, residues 898-918): GCVNERLADR[Thr908Ile]PSPTFSTADS

ClinVar aggregate classification (germline): Uncertain significance (1 of 4 stars; one submission).

Submission:

Ambry Genetics
Classification: Uncertain significance. Last evaluated: 2025-02-08. Review status: criteria provided, single submitter. Criteria: Ambry Variant Classification Scheme 2023. Collection method: clinical testing. Allele origin: germline.
Comment: The p.T862I variant (also known as c.2585C>T), located in coding exon 24 of the KIF1B gene, results from a C to T substitution at nucleotide position 2585. The threonine at codon 862 is replaced by isoleucine, an amino acid with similar properties. This amino acid position is conserved. In addition, this alteration is predicted to be deleterious by in silico analysis. Based on the available evidence, the clinical significance of this variant remains unclear.